The following is an entry in ClinVar:

ClinVar aggregate classification (germline): Uncertain significance (1 of 4 stars; one submission).

Submission:

GeneDx
Classification: Uncertain significance. Last evaluated: 2023-03-06. Review status: criteria provided, single submitter. Criteria: GeneDx Variant Classification Process June 2021. Collection method: clinical testing. Allele origin: germline. Affected: yes.
Comment: Not observed at significant frequency in large population cohorts (gnomAD); In silico analysis supports that this missense variant does not alter protein structure/function; Has not been previously published as pathogenic or benign to our knowledge; This variant is associated with the following publications: (PMID: 26100331, 25512093, 25609763)

NM_001376.5(DYNC1H1):c.9712G>A (p.Asp3238Asn)

Gene: DYNC1H1 (dynein cytoplasmic 1 heavy chain 1; plus strand). Cytogenetic location: 14q32.31.
Variant type: single nucleotide variant.
Coding change: c.9712G>A on transcript NM_001376.5 (MANE Select); coding-DNA position 9712, G replaced by A.
Protein change: p.Asp3238Asn; replaces aspartic acid 3238 with asparagine.
Molecular consequence: missense variant.
Genome position (GRCh38, 1-based): chr14:102,029,888, G>A. VCF-style: chr14-102029888-G-A. GRCh37 (hg19) VCF-style: chr14-102496225-G-A.
Other names: short protein forms D3238N.
Identifiers: ClinVar variation 2579568 (VCV002579568.1), dbSNP rs2503811976, ClinGen allele CA391016926.